The following is an entry in ClinVar:

ClinVar aggregate classification (germline): Uncertain significance (1 of 4 stars; one submission).

Submission:

GeneDx
Classification: Uncertain significance. Last evaluated: 2026-02-05. Review status: criteria provided, single submitter. Criteria: GeneDx Variant Classification Process June 2021. Collection method: clinical testing. Allele origin: germline.
Comment: Not observed at significant frequency in large population cohorts (gnomAD); In silico analysis suggests that this missense variant does not alter protein structure/function; Has not been previously published as pathogenic or benign to our knowledge

NM_152641.4(ARID2):c.4723C>G (p.Gln1575Glu)

Gene: ARID2 (AT-rich interaction domain 2; plus strand). Cytogenetic location: 12q12.
Variant type: single nucleotide variant.
Coding change: c.4723C>G on transcript NM_152641.4 (MANE Select); coding-DNA position 4723, C replaced by G.
Protein change: p.Gln1575Glu; replaces glutamine 1575 with glutamic acid.
Molecular consequence: missense variant.
Genome position (GRCh38, 1-based): chr12:45,852,846, C>G. VCF-style: chr12-45852846-C-G. GRCh37 (hg19) VCF-style: chr12-46246629-C-G.
Other names: c.4723C>G, p.Gln1575Glu (NM_001347839.2); short protein forms Q1575E.
Identifiers: ClinVar variation 4975527 (VCV004975527.1).
Genomic context (GRCh38, chr12:45,852,846, plus strand): 5'-GCTGTGCCAGCAGGAGCAGATCCAAGCACTGTAGCTAAAGTAGCAATAGAAAGTGCTGTT[C>G]AGCAAAAGCAACAGCATCCACCAACATATGTACAGAATGTGGTCCCGCAGGTAAGTTATT-3'
Protein context (NP_689854.2, residues 1565-1585): VAKVAIESAV[Gln1575Glu]QKQQHPPTYV